The following is an entry in ClinVar:

NM_005208.5(CRYBA1):c.359A>T (p.Asn120Ile)

Gene: CRYBA1 (crystallin beta A1; plus strand). Cytogenetic location: 17q11.2.
Variant type: single nucleotide variant.
Coding change: c.359A>T on transcript NM_005208.5 (MANE Select); coding-DNA position 359, A replaced by T.
Protein change: p.Asn120Ile; replaces asparagine 120 with isoleucine.
Molecular consequence: missense variant.
Genome position (GRCh38, 1-based): chr17:29,253,641, A>T. VCF-style: chr17-29253641-A-T. GRCh37 (hg19) VCF-style: chr17-27580659-A-T.
Other names: short protein forms N120I.
Identifiers: ClinVar variation 3673898 (VCV003673898.2).

ClinVar aggregate classification (germline): Uncertain significance (1 of 4 stars; one submission).

Conditions:
Cataract 10 multiple types. Also called: CATARACT 10, CONGENITAL ZONULAR, WITH SUTURAL OPACITIES. Identifiers: Orphanet 91492, MedGen C1833229, MONDO:0010948, OMIM 600881.

gnomAD v4.1: 46 of 1,612,676 alleles (0.0029%); highest among the groups gnomAD compares: African/African-American, 0.053%; no homozygotes.

Submission:

Labcorp Genetics (formerly Invitae), Labcorp
Classification: Uncertain significance for Cataract 10 multiple types. Last evaluated: 2024-08-05. Review status: criteria provided, single submitter. Criteria: Invitae Variant Classification Sherloc (09022015). Collection method: clinical testing. Allele origin: germline.
Comment: This sequence change replaces asparagine, which is neutral and polar, with isoleucine, which is neutral and non-polar, at codon 120 of the CRYBA1 protein (p.Asn120Ile). This variant is present in population databases (rs369014088, gnomAD 0.05%), and has an allele count higher than expected for a pathogenic variant. This variant has not been reported in the literature in individuals affected with CRYBA1-related conditions. An algorithm developed to predict the effect of missense changes on protein structure and function (PolyPhen-2) suggests that this variant is likely to be tolerated. In summary, the available evidence is currently insufficient to determine the role of this variant in disease. Therefore, it has been classified as a Variant of Uncertain Significance.